The following is an entry in ClinVar:

ClinVar aggregate classification (germline): Uncertain significance. Review status: criteria provided, multiple submitters, no conflicts (2 of 4 stars). 2 submissions from 2 submitters: Uncertain significance (2). Last evaluated 2021-03-30.

Allele frequency attached by ClinVar (database versions not stated): TOPMed 0.00135; ESP Exome Variant Server 0.00163; 1000 Genomes Project 30x 0.00219; 1000 Genomes Project 0.00220.
gnomAD v4.1: 504 of 1,613,790 alleles (0.031%); highest among the groups gnomAD compares: African/African-American, 0.51%; no homozygotes.

Submissions (2):

Center for Genomics, Ann and Robert H. Lurie Children's Hospital of Chicago
Classification: Uncertain significance. Last evaluated: 2021-03-30. Review status: criteria provided, single submitter. Criteria: ACMG Guidelines, 2015. Collection method: clinical testing. Allele origin: germline.
Comment: PTPN6 NM_080549.3 exon 2 c.9-7C>T: This variant has not been reported in the literature but is present in 0.5% (127/24124) of African alleles in the Genome Aggregation Database. Evolutionary conservation and computational predictive tools for this variant are limited or unavailable. This variant is an intronic variant; splice prediction tools suggest that this variant may not affect splicing. However, further studies are needed to understand its impact. In summary, data on this variant is insufficient for disease classification. Therefore, the clinical significance of this variant is uncertain.

Breakthrough Genomics
Classification: Uncertain significance. Review status: criteria provided, single submitter. Criteria: ACMG Guidelines, 2015. Collection method: not provided. Allele origin: germline. Inheritance: Unknown mechanism. Affected: yes.

NM_002831.6(PTPN6):c.9-7C>T

Gene: PTPN6 (protein tyrosine phosphatase non-receptor type 6; plus strand). Cytogenetic location: 12p13.31.
Variant type: single nucleotide variant.
Coding change: c.9-7C>T on transcript NM_002831.6 (MANE Select); 7 bases into the intron before coding-DNA position 9, C replaced by T.
Molecular consequence: intron variant.
Genome position (GRCh38, 1-based): chr12:6,951,602, C>T. VCF-style: chr12-6951602-C-T. GRCh37 (hg19) VCF-style: chr12-7060765-C-T.
Other names: c.15-7C>T (NM_080548.5); c.9-7C>T (NM_080549.4).
Identifiers: ClinVar variation 992553 (VCV000992553.3), dbSNP rs377223489, ClinGen allele CA6421454.
Genomic context (GRCh38, chr12:6,951,602, plus strand): 5'-TAGACAGGAGGCAAGGGTGCCTGGTGCCCACGGGACCCCTCCTCACTGCCCTGCCTGGGC[C>T]GCCCAGGTGGTTTCACCGAGACCTCAGTGGGCTGGATGCAGAGACCCTGCTCAAGGGCCG-3'